The following is an entry in ClinVar:

NM_002485.5(NBN):c.1845T>C (p.Ser615=)

Gene: NBN (nibrin; minus strand). Cytogenetic location: 8q21.3.
Variant type: single nucleotide variant.
Coding change: c.1845T>C on transcript NM_002485.5 (MANE Select); coding-DNA position 1845, T replaced by C.
Protein change: p.Ser615=; no amino-acid change (serine 615 retained).
Molecular consequence: synonymous variant.
Genome position (GRCh38, 1-based): chr8:89,953,244, A>G on the plus strand (T>C on the coding strand, the complement: NBN is on the minus strand). VCF-style: chr8-89953244-A-G. GRCh37 (hg19) VCF-style: chr8-90965472-A-G.
Other names: c.1599T>C, p.Ser533= (NM_001024688.3).
Identifiers: ClinVar variation 937555 (VCV000937555.12), dbSNP rs1810519877, ClinGen allele CA462114528.
Genomic context (GRCh38, chr8:89,953,244, plus strand): 5'-AGTACCTGTTAGCATTCTAAGCTTCTATGTACTATACCTCTCATTTAAAATGTTACTTAC[A>G]GATATTTTGCTACTTTCTGGTACTGCTTCATCACTGAAAGTGTCATTTGTTTCTATATCC-3'
Protein context (NP_002476.2, residues 605-625): DEAVPESSKI[Ser615=]QENEIGKKRE

ClinVar aggregate classification (germline): Conflicting classifications of pathogenicity. Review status: criteria provided, conflicting classifications (1 of 4 stars). 2 submissions from 2 submitters: Uncertain significance (1); Likely benign (1). Last evaluated 2021-04-16.

Conditions:
Microcephaly, normal intelligence and immunodeficiency (NBS). Also called: BERLIN BREAKAGE SYNDROME; Immunodeficiency, microcephaly with normal intelligence; Ataxia telangiectasia variant V1; SEEMANOVA SYNDROME II; Nijmegen breakage syndrome; Microcephaly with normal intelligence immunodeficiency and lymphoreticular malignancies. Identifiers: Orphanet 647, MedGen C0398791, MONDO:0009623, OMIM 251260.
Hereditary cancer-predisposing syndrome. Also called: Tumor predisposition; Hereditary neoplastic syndrome; Neoplastic Syndromes, Hereditary; Hereditary Cancer Syndrome. Identifiers: Orphanet 140162, MedGen C0027672, MeSH D009386, MONDO:0015356.

Allele frequency attached by ClinVar (database versions not stated): gnomAD exomes below 0.00001.
gnomAD v4.1: 1 of 1,589,462 alleles (0.000063%); highest among the groups gnomAD compares: Non-Finnish European, 0.000086%; no homozygotes.

Submissions (2):

Ambry Genetics
Classification: Likely benign for Hereditary cancer-predisposing syndrome. Last evaluated: 2021-04-16. Review status: criteria provided, single submitter. Criteria: Ambry Variant Classification Scheme 2023. Collection method: clinical testing. Allele origin: germline.

Labcorp Genetics (formerly Invitae), Labcorp
Classification: Uncertain significance for Microcephaly, normal intelligence and immunodeficiency. Last evaluated: 2019-09-10. Review status: criteria provided, single submitter. Criteria: Invitae Variant Classification Sherloc (09022015). Collection method: clinical testing. Allele origin: germline.
Comment: This sequence change affects codon 615 of the NBN mRNA. It is a 'silent' change, meaning that it does not change the encoded amino acid sequence of the NBN protein. This variant is not present in population databases (ExAC no frequency). This variant has not been reported in the literature in individuals with NBN-related conditions. In summary, the available evidence is currently insufficient to determine the role of this variant in disease. Therefore, it has been classified as a Variant of Uncertain Significance. Algorithms developed to predict the effect of sequence changes on RNA splicing suggest that this variant is not likely to affect RNA splicing, but this prediction has not been confirmed by published transcriptional studies.